The following is an entry in ClinVar:

NM_005732.4(RAD50):c.712A>G (p.Lys238Glu)

Gene: RAD50 (RAD50 double strand break repair protein; plus strand). Cytogenetic location: 5q31.1.
Variant type: single nucleotide variant.
Coding change: c.712A>G on transcript NM_005732.4 (MANE Select); coding-DNA position 712, A replaced by G.
Protein change: p.Lys238Glu; replaces lysine 238 with glutamic acid.
Molecular consequence: missense variant.
Genome position (GRCh38, 1-based): chr5:132,580,022, A>G. VCF-style: chr5-132580022-A-G. GRCh37 (hg19) VCF-style: chr5-131915714-A-G.
Other names: c.712A>G (NM_005732.3); short protein forms K238E.
Identifiers: ClinVar variation 1014497 (VCV001014497.10), dbSNP rs1750477892, ClinGen allele CA360936894.

ClinVar aggregate classification (germline): Uncertain significance. Review status: criteria provided, multiple submitters, no conflicts (2 of 4 stars). 2 submissions from 2 submitters: Uncertain significance (2). Last evaluated 2024-11-05.

Conditions:
Hereditary cancer-predisposing syndrome. Also called: Hereditary Cancer Syndrome; Tumor predisposition; Neoplastic Syndromes, Hereditary; Hereditary neoplastic syndrome. Identifiers: Orphanet 140162, MedGen C0027672, MeSH D009386, MONDO:0015356.

Submissions (2):

Labcorp Genetics (formerly Invitae), Labcorp
Classification: Uncertain significance for Hereditary cancer-predisposing syndrome. Last evaluated: 2024-11-05. Review status: criteria provided, single submitter. Criteria: Invitae Variant Classification Sherloc (09022015). Collection method: clinical testing. Allele origin: germline.
Comment: This sequence change replaces lysine, which is basic and polar, with glutamic acid, which is acidic and polar, at codon 238 of the RAD50 protein (p.Lys238Glu). This variant is not present in population databases (gnomAD no frequency). This variant has not been reported in the literature in individuals affected with RAD50-related conditions. ClinVar contains an entry for this variant (Variation ID: 1014497). Invitae Evidence Modeling of protein sequence and biophysical properties (such as structural, functional, and spatial information, amino acid conservation, physicochemical variation, residue mobility, and thermodynamic stability) indicates that this missense variant is not expected to disrupt RAD50 protein function with a negative predictive value of 80%. In summary, the available evidence is currently insufficient to determine the role of this variant in disease. Therefore, it has been classified as a Variant of Uncertain Significance.

Ambry Genetics
Classification: Uncertain significance for Hereditary cancer-predisposing syndrome. Last evaluated: 2024-03-08. Review status: criteria provided, single submitter. Criteria: Ambry Variant Classification Scheme 2023. Collection method: clinical testing. Allele origin: germline.
Comment: The p.K238E variant (also known as c.712A>G), located in coding exon 5 of the RAD50 gene, results from an A to G substitution at nucleotide position 712. The lysine at codon 238 is replaced by glutamic acid, an amino acid with similar properties. This amino acid position is conserved. In addition, this alteration is predicted to be tolerated by in silico analysis. Based on the available evidence, the clinical significance of this alteration remains unclear.